The following is an entry in ClinVar:

NM_001170629.2(CHD8):c.3479G>A (p.Arg1160His)

Gene: CHD8 (chromodomain helicase DNA binding protein 8; minus strand). Cytogenetic location: 14q11.2.
Variant type: single nucleotide variant.
Coding change: c.3479G>A on transcript NM_001170629.2 (MANE Select); coding-DNA position 3479, G replaced by A.
Protein change: p.Arg1160His; replaces arginine 1160 with histidine.
Molecular consequence: missense variant.
Genome position (GRCh38, 1-based): chr14:21,403,492, C>T on the plus strand (G>A on the coding strand, the complement: CHD8 is on the minus strand). VCF-style: chr14-21403492-C-T. GRCh37 (hg19) VCF-style: chr14-21871651-C-T.
Other names: c.3479G>A (NM_001170629.1); c.2642G>A, p.Arg881His (NM_020920.4); short protein forms R1160H, R881H.
Identifiers: ClinVar variation 1895399 (VCV001895399.4), dbSNP rs1888122923, ClinGen allele CA388900853.
Genomic context (GRCh38, chr14:21,403,492, plus strand): 5'-CTAGGATGACTCTTTTCTTACCTCCTCTGGATTAAATAATCCTCTAGGATGTCTAGGCAG[C>T]GCACCATCTGAGAGAAGATCAGAACTTTATGGCCACCAGCTTTAAGCTTTGGAAGCAACT-3'
Protein context (NP_001164100.1, residues 1150-1170): HKVLIFSQMV[Arg1160His]CLDILEDYLI

ClinVar aggregate classification (germline): Uncertain significance. Review status: criteria provided, multiple submitters, no conflicts (2 of 4 stars). 3 submissions from 3 submitters: Uncertain significance (3). Last evaluated 2026-06-28.

Conditions:
Intellectual developmental disorder with autism and macrocephaly. Also called: CHD8-Related Neurodevelopmental Disorder with Overgrowth; Autism, susceptibility to, 18. Identifiers: Orphanet 642675, MedGen C3554373, MONDO:0014017, OMIM 615032.
CHD8-related disorder. Also called: CHD8-related condition; CHD8-related disorders.

Allele frequency attached by ClinVar (database versions not stated): gnomAD exomes below 0.00001; TOPMed 0.00001.
gnomAD v4.1: 1 of 1,613,464 alleles (0.000062%); highest among the groups gnomAD compares: Non-Finnish European, 0.000085%; no homozygotes.

Submissions (3):

PreventionGenetics, part of Exact Sciences
Classification: Uncertain significance for CHD8-related condition. Last evaluated: 2026-06-28. Review status: criteria provided, single submitter. Criteria: ACMG Guidelines, 2015. Collection method: clinical testing. Allele origin: germline.
Comment: The CHD8 c.3479G>A variant is predicted to result in the amino acid substitution p.Arg1160His. To our knowledge, this variant has not been reported in the literature or in a large population database (gnomAD), indicating this variant is rare. At this time, the clinical significance of this variant is uncertain due to the absence of conclusive functional and genetic evidence.

Labcorp Genetics (formerly Invitae), Labcorp
Classification: Uncertain significance. Last evaluated: 2025-01-04. Review status: criteria provided, single submitter. Criteria: Invitae Variant Classification Sherloc (09022015). Collection method: clinical testing. Allele origin: germline.
Comment: This sequence change replaces arginine, which is basic and polar, with histidine, which is basic and polar, at codon 1160 of the CHD8 protein (p.Arg1160His). This variant is not present in population databases (gnomAD no frequency). This variant has not been reported in the literature in individuals affected with CHD8-related conditions. ClinVar contains an entry for this variant (Variation ID: 1895399). Invitae Evidence Modeling of protein sequence and biophysical properties (such as structural, functional, and spatial information, amino acid conservation, physicochemical variation, residue mobility, and thermodynamic stability) indicates that this missense variant is not expected to disrupt CHD8 protein function with a negative predictive value of 95%. In summary, the available evidence is currently insufficient to determine the role of this variant in disease. Therefore, it has been classified as a Variant of Uncertain Significance.

Institute of Human Genetics, Clinical Exome/Genome Diagnostics Group, University Hospital Bonn
Classification: Uncertain significance for Intellectual developmental disorder with autism and macrocephaly. Review status: criteria provided, single submitter. Criteria: ACMG Guidelines, 2015. Collection method: clinical testing. Allele origin: germline. Affected: yes.